The following is an entry in ClinVar:

NM_000293.3(PHKB):c.3121C>T (p.Arg1041Trp)

Gene: PHKB (phosphorylase kinase regulatory subunit beta; plus strand). Cytogenetic location: 16q12.1.
Variant type: single nucleotide variant.
Coding change: c.3121C>T on transcript NM_000293.3 (MANE Select); coding-DNA position 3121, C replaced by T.
Protein change: p.Arg1041Trp; replaces arginine 1041 with tryptophan.
Molecular consequence: missense variant.
Genome position (GRCh38, 1-based): chr16:47,698,565, C>T. VCF-style: chr16-47698565-C-T. GRCh37 (hg19) VCF-style: chr16-47732476-C-T.
Other names: c.3100C>T, p.Arg1034Trp (NM_001031835.3); c.3121C>T, p.Arg1041Trp (NM_001363837.1); short protein forms R1041W, R1034W.
Identifiers: ClinVar variation 319360 (VCV000319360.49), dbSNP rs12918964, ClinGen allele CA8041433.

ClinVar aggregate classification (germline): Benign/Likely benign. Review status: criteria provided, multiple submitters, no conflicts (2 of 4 stars). 7 submissions from 7 submitters: Benign (3); Likely benign (3). 1 of the submissions does not count toward it. Last evaluated 2026-09-01.

Conditions:
Glycogen storage disease IXb (GSD9B). Also called: PHOSPHORYLASE KINASE DEFICIENCY OF LIVER AND MUSCLE, AUTOSOMAL RECESSIVE; GLYCOGENOSIS OF LIVER AND MUSCLE, AUTOSOMAL RECESSIVE; GSD IXb. Identifiers: Orphanet 79240, MedGen C0543514, MONDO:0009868, OMIM 261750.

Allele frequency attached by ClinVar (database versions not stated): 1000 Genomes Project 30x 0.00109; 1000 Genomes Project 0.00140; ExAC 0.00579; gnomAD exomes 0.00590 and 0.01091; TOPMed 0.00674; gnomAD 0.00732 and 0.00765; ESP Exome Variant Server 0.01054.
gnomAD v4.1: 16,114 of 1,518,908 alleles (1.1%); highest among the groups gnomAD compares: Non-Finnish European, 1.3%; 111 homozygotes.

Submissions (7):

CeGaT Center for Human Genetics Tuebingen
Classification: Benign. Last evaluated: 2026-09-01. Review status: criteria provided, single submitter. Criteria: CeGaT Center For Human Genetics Tuebingen Variant Classification Criteria Version 2. Collection method: clinical testing. Allele origin: germline. Affected: yes. Observed: 30 variant alleles.
Comment: PHKB: BP4, BS1, BS2

Labcorp Genetics (formerly Invitae), Labcorp
Classification: Likely benign for Glycogen storage disease IXb. Last evaluated: 2026-02-04. Review status: criteria provided, single submitter. Criteria: Invitae Variant Classification Sherloc (09022015). Collection method: clinical testing. Allele origin: germline.

ARUP Laboratories, Molecular Genetics and Genomics, ARUP Laboratories
Classification: Benign for Glycogen storage disease IXb. Last evaluated: 2023-12-12. Review status: criteria provided, single submitter. Criteria: ARUP Molecular Germline Variant Investigation Process 2024. Collection method: clinical testing. Allele origin: germline.

Illumina Laboratory Services, Illumina
Classification: Likely benign for Glycogen storage disease IXb. Last evaluated: 2018-01-13. Review status: criteria provided, single submitter. Criteria: ICSL Variant Classification Criteria 13 December 2019. Collection method: clinical testing. Allele origin: germline.
Comment: This variant was observed in the ICSL laboratory as part of a predisposition screen in an ostensibly healthy population. It had not been previously curated by ICSL or reported in the Human Gene Mutation Database (HGMD: prior to June 1st, 2018), and was therefore a candidate for classification through an automated scoring system. Utilizing variant allele frequency, disease prevalence and penetrance estimates, and inheritance mode, an automated score was calculated to assess if this variant is too frequent to cause the disease. Based on the score and internal cut-off values, a variant classified as likely benign is not then subjected to further curation. The score for this variant resulted in a classification of likely benign for this disease.

GeneDx
Classification: Benign. Last evaluated: 2016-08-10. Review status: criteria provided, single submitter. Criteria: GeneDx Variant Classification (06012015). Collection method: clinical testing. Allele origin: germline. Affected: yes.
Comment: This variant is considered likely benign or benign based on one or more of the following criteria: it is a conservative change, it occurs at a poorly conserved position in the protein, it is predicted to be benign by multiple in silico algorithms, and/or has population frequency not consistent with disease.

Breakthrough Genomics
Classification: Likely benign. Review status: criteria provided, single submitter. Criteria: ACMG Guidelines, 2015. Collection method: not provided. Allele origin: germline. Inheritance: Autosomal recessive inheritance. Affected: yes.

Mayo Clinic Laboratories, Mayo Clinic
Classification: Likely benign. Last evaluated: 2017-05-10. Review status: no assertion criteria provided. Collection method: clinical testing. Allele origin: unknown. Not counted in ClinVar's aggregate classification.